The following is an entry in ClinVar:

ClinVar aggregate classification (germline): Uncertain significance. Review status: criteria provided, multiple submitters, no conflicts (2 of 4 stars). 2 submissions from 2 submitters: Uncertain significance (2). Last evaluated 2024-01-02.

Allele frequency attached by ClinVar (database versions not stated): gnomAD exomes 0.00002 and 0.00004; ExAC 0.00003; gnomAD 0.00003; TOPMed 0.00004; ESP Exome Variant Server 0.00008.
gnomAD v4.1: 40 of 1,614,072 alleles (0.0025%); highest among the groups gnomAD compares: Admixed American, 0.0083%; no homozygotes.

Submissions (2):

Labcorp Genetics (formerly Invitae), Labcorp
Classification: Uncertain significance. Last evaluated: 2024-01-02. Review status: criteria provided, single submitter. Criteria: Invitae Variant Classification Sherloc (09022015). Collection method: clinical testing. Allele origin: germline.
Comment: This sequence change replaces proline, which is neutral and non-polar, with leucine, which is neutral and non-polar, at codon 261 of the CDHR1 protein (p.Pro261Leu). This variant is present in population databases (rs142722981, gnomAD 0.01%). This variant has not been reported in the literature in individuals affected with CDHR1-related conditions. ClinVar contains an entry for this variant (Variation ID: 1062560). An algorithm developed to predict the effect of missense changes on protein structure and function (PolyPhen-2) suggests that this variant is likely to be tolerated. In summary, the available evidence is currently insufficient to determine the role of this variant in disease. Therefore, it has been classified as a Variant of Uncertain Significance.

Blueprint Genetics
Classification: Uncertain significance. Last evaluated: 2021-09-06. Review status: criteria provided, single submitter. Criteria: ACMG Guidelines, 2015. Collection method: clinical testing. Allele origin: germline.

NM_033100.4(CDHR1):c.782C>T (p.Pro261Leu)

Gene: CDHR1 (cadherin related family member 1; plus strand). Cytogenetic location: 10q23.1.
Variant type: single nucleotide variant.
Coding change: c.782C>T on transcript NM_033100.4 (MANE Select); coding-DNA position 782, C replaced by T.
Protein change: p.Pro261Leu; replaces proline 261 with leucine.
Molecular consequence: missense variant.
Genome position (GRCh38, 1-based): chr10:84,203,122, C>T. VCF-style: chr10-84203122-C-T. GRCh37 (hg19) VCF-style: chr10-85962878-C-T.
Other names: c.782C>T, p.Pro261Leu (NM_001171971.3); short protein forms P261L.
Identifiers: ClinVar variation 1062560 (VCV001062560.10), dbSNP rs142722981, ClinGen allele CA5579672.